The following is an entry in ClinVar:

NM_004606.5(TAF1):c.1480C>T (p.Arg494Trp)

Gene: TAF1 (TATA-box binding protein associated factor 1; plus strand). Cytogenetic location: Xq13.1.
Variant type: single nucleotide variant.
Coding change: c.1480C>T on transcript NM_004606.5 (MANE Select); coding-DNA position 1480, C replaced by T.
Protein change: p.Arg494Trp; replaces arginine 494 with tryptophan.
Molecular consequence: missense variant. On other transcripts: non-coding transcript variant (9).
Genome position (GRCh38, 1-based): chrX:71,381,862, C>T. VCF-style: chrX-71381862-C-T. GRCh37 (hg19) VCF-style: chrX-70601712-C-T.
Other names: c.1480C>T, p.Arg494Trp (NM_001286074.2); c.1417C>T, p.Arg473Trp (NM_138923.4); c.1540C>T (NM_001286074.1); short protein forms R473W, R494W.
Identifiers: ClinVar variation 2418515 (VCV002418515.31), dbSNP rs139965533, ClinGen allele CA10446716.

ClinVar aggregate classification (germline): Benign/Likely benign. Review status: criteria provided, multiple submitters, no conflicts (2 of 4 stars). 3 submissions from 3 submitters: Benign (1); Likely benign (1). 1 of the submissions does not count toward it. Last evaluated 2025-01-02.

Conditions:
TAF1-related disorder. Also called: TAF1-related condition.

Allele frequency attached by ClinVar (database versions not stated): gnomAD exomes 0.00004; ExAC 0.00016; ESP Exome Variant Server 0.00019; TOPMed 0.00020; gnomAD 0.00025.
gnomAD v4.1: 80 of 1,181,163 alleles (0.0068%); highest among the groups gnomAD compares: African/African-American, 0.073%; no homozygotes.

Submissions (3):

Labcorp Genetics (formerly Invitae), Labcorp
Classification: Benign. Last evaluated: 2025-01-02. Review status: criteria provided, single submitter. Criteria: Invitae Variant Classification Sherloc (09022015). Collection method: clinical testing. Allele origin: germline.

CeGaT Center for Human Genetics Tuebingen
Classification: Likely benign. Last evaluated: 2024-11-01. Review status: criteria provided, single submitter. Criteria: CeGaT Center For Human Genetics Tuebingen Variant Classification Criteria Version 2. Collection method: clinical testing. Allele origin: germline. Affected: yes. Observed: 2 variant alleles.
Comment: TAF1: BP4, BS2

PreventionGenetics, part of Exact Sciences
Classification: Likely benign for TAF1-related condition. Last evaluated: 2021-01-05. Review status: no assertion criteria provided. Collection method: clinical testing. Allele origin: germline. Not counted in ClinVar's aggregate classification.
Comment: This variant is classified as likely benign based on ACMG/AMP sequence variant interpretation guidelines (Richards et al. 2015 PMID: 25741868, with internal and published modifications).